The following is an entry in ClinVar:

NM_001267550.2(TTN):c.31846+17C>T

Gene: TTN (titin; minus strand). Cytogenetic location: 2q31.2.
Variant type: single nucleotide variant.
Coding change: c.31846+17C>T on transcript NM_001267550.2 (MANE Select); 17 bases into the intron after coding-DNA position 31846, C replaced by T.
Molecular consequence: intron variant.
Genome position (GRCh38, 1-based): chr2:178,689,796, G>A on the plus strand (C>T on the coding strand, the complement: TTN is on the minus strand). VCF-style: chr2-178689796-G-A. GRCh37 (hg19) VCF-style: chr2-179554523-G-A.
Other names: c.30895+17C>T (NM_001256850.1); c.13283-47479C>T (NM_003319.4); c.13859-47479C>T (NM_133437.4); c.13658-47479C>T (NM_133432.3); c.28114+17C>T (NM_133378.4).
Identifiers: ClinVar variation 516979 (VCV000516979.4), dbSNP rs900359869, ClinGen allele CA60988359.

ClinVar aggregate classification (germline): Likely benign. Review status: criteria provided, multiple submitters, no conflicts (2 of 4 stars). 2 submissions from 2 submitters: Likely benign (2). Last evaluated 2026-01-25.

Conditions:
Dilated cardiomyopathy 1G (CMD1G). Identifiers: Orphanet 154, MedGen C1858763, MONDO:0011400, OMIM 604145.
Autosomal recessive limb-girdle muscular dystrophy type 2J (LGMDR10). Also called: Limb-girdle muscular dystrophy, type 2J; MUSCULAR DYSTROPHY, LIMB-GIRDLE, AUTOSOMAL RECESSIVE 10. Identifiers: Orphanet 140922, MedGen C1837342, MONDO:0012127, OMIM 608807.

Allele frequency attached by ClinVar (database versions not stated): gnomAD 0.00001; TOPMed 0.00001.
gnomAD v4.1: 6 of 1,590,748 alleles (0.00038%); highest among the groups gnomAD compares: South Asian, 0.0012%; no homozygotes.

Submissions (2):

Labcorp Genetics (formerly Invitae), Labcorp
Classification: Likely benign for Dilated cardiomyopathy 1G; Autosomal recessive limb-girdle muscular dystrophy type 2J. Last evaluated: 2026-01-25. Review status: criteria provided, single submitter. Criteria: Invitae Variant Classification Sherloc (09022015). Collection method: clinical testing. Allele origin: germline.

GeneDx
Classification: Likely benign. Last evaluated: 2017-11-27. Review status: criteria provided, single submitter. Criteria: GeneDx Variant Classification (06012015). Collection method: clinical testing. Allele origin: germline. Affected: yes.
Comment: This variant is considered likely benign or benign based on one or more of the following criteria: it is a conservative change, it occurs at a poorly conserved position in the protein, it is predicted to be benign by multiple in silico algorithms, and/or has population frequency not consistent with disease.